The following is an entry in ClinVar:

NM_001184.4(ATR):c.3458A>G (p.Asn1153Ser)

Gene: ATR (ATR checkpoint kinase; minus strand). Cytogenetic location: 3q23.
Variant type: single nucleotide variant.
Coding change: c.3458A>G on transcript NM_001184.4 (MANE Select); coding-DNA position 3458, A replaced by G.
Protein change: p.Asn1153Ser; replaces asparagine 1153 with serine.
Molecular consequence: missense variant.
Genome position (GRCh38, 1-based): chr3:142,541,027, T>C on the plus strand (A>G on the coding strand, the complement: ATR is on the minus strand). VCF-style: chr3-142541027-T-C. GRCh37 (hg19) VCF-style: chr3-142259869-T-C.
Other names: c.3266A>G, p.Asn1089Ser (NM_001354579.2); short protein forms N1153S, N1089S.
Identifiers: ClinVar variation 1443597 (VCV001443597.11), dbSNP rs563040643, ClinGen allele CA2650091.

ClinVar aggregate classification (germline): Conflicting classifications of pathogenicity. Review status: criteria provided, conflicting classifications (1 of 4 stars). 5 submissions from 4 submitters: Uncertain significance (4); Likely benign (1). Last evaluated 2025-12-19.

Conditions:
Inborn genetic diseases. Identifiers: MedGen C0950123, MeSH D030342.
Seckel syndrome 1 (SCKL1). Also called: MICROCEPHALIC PRIMORDIAL DWARFISM I. Identifiers: Orphanet 808, MedGen C4551474, MONDO:0008869, OMIM 210600.
Familial cutaneous telangiectasia and oropharyngeal predisposition cancer syndrome. Identifiers: Orphanet 313846, MedGen C3281203, MONDO:0013806, OMIM 614564.

Allele frequency attached by ClinVar (database versions not stated): gnomAD 0.00001 and 0.00003; gnomAD exomes 0.00001 and 0.00008; TOPMed 0.00002; ExAC 0.00007; 1000 Genomes Project 30x 0.00016; 1000 Genomes Project 0.00020.
gnomAD v4.1: 21 of 1,613,592 alleles (0.0013%); highest among the groups gnomAD compares: East Asian, 0.036%; no homozygotes.

Submissions (5):

Labcorp Genetics (formerly Invitae), Labcorp
Classification: Uncertain significance. Last evaluated: 2025-12-19. Review status: criteria provided, single submitter. Criteria: Invitae Variant Classification Sherloc (09022015). Collection method: clinical testing. Allele origin: germline.
Comment: This sequence change replaces asparagine, which is neutral and polar, with serine, which is neutral and polar, at codon 1153 of the ATR protein (p.Asn1153Ser). This variant is present in population databases (rs563040643, gnomAD 0.1%). This variant has not been reported in the literature in individuals affected with ATR-related conditions. ClinVar contains an entry for this variant (Variation ID: 1443597). An algorithm developed to predict the effect of missense changes on protein structure and function (PolyPhen-2) suggests that this variant is likely to be tolerated. In summary, the available evidence is currently insufficient to determine the role of this variant in disease. Therefore, it has been classified as a Variant of Uncertain Significance.

Fulgent Genetics
Classification: Uncertain significance for Seckel syndrome 1; Familial cutaneous telangiectasia and oropharyngeal predisposition cancer syndrome. Last evaluated: 2024-06-21. Review status: criteria provided, single submitter. Criteria: ACMG Guidelines, 2015. Collection method: clinical testing. Allele origin: germline.

Ambry Genetics
Classification: Likely benign for Inborn genetic diseases. Last evaluated: 2023-08-22. Review status: criteria provided, single submitter. Criteria: Ambry Variant Classification Scheme 2023. Collection method: clinical testing. Allele origin: germline.

Genome-Nilou Lab
Classification: Uncertain significance for Seckel syndrome 1. Last evaluated: 2023-02-08. Review status: criteria provided, single submitter. Criteria: ACMG Guidelines, 2015. Collection method: clinical testing. Allele origin: germline.

Genome-Nilou Lab
Classification: Uncertain significance for Familial cutaneous telangiectasia and oropharyngeal predisposition cancer syndrome. Last evaluated: 2023-02-08. Review status: criteria provided, single submitter. Criteria: ACMG Guidelines, 2015. Collection method: clinical testing. Allele origin: germline.